The following is an entry in ClinVar:

NM_017617.5(NOTCH1):c.844C>T (p.Arg282Cys)

Gene: NOTCH1 (notch receptor 1; minus strand). Cytogenetic location: 9q34.3.
Variant type: single nucleotide variant.
Coding change: c.844C>T on transcript NM_017617.5 (MANE Select); coding-DNA position 844, C replaced by T.
Protein change: p.Arg282Cys; replaces arginine 282 with cysteine.
Molecular consequence: missense variant.
Genome position (GRCh38, 1-based): chr9:136,519,464, G>A on the plus strand (C>T on the coding strand, the complement: NOTCH1 is on the minus strand). VCF-style: chr9-136519464-G-A. GRCh37 (hg19) VCF-style: chr9-139413916-G-A.
Other names: c.844C>T (NM_017617.3); short protein forms R282C.
Identifiers: ClinVar variation 2727560 (VCV002727560.5), dbSNP rs1468729123, ClinGen allele CA375566257.

ClinVar aggregate classification (germline): Conflicting classifications of pathogenicity. Review status: criteria provided, conflicting classifications (1 of 4 stars). 2 submissions from 2 submitters: Uncertain significance (1); Likely benign (1). Last evaluated 2025-04-09.

Conditions:
Adams-Oliver syndrome 5 (AOS5). Identifiers: Orphanet 974, MedGen C4014970, MONDO:0014459, OMIM 616028.

Allele frequency attached by ClinVar (database versions not stated): gnomAD 0.00001; gnomAD exomes 0.00001.

Submissions (2):

GeneDx
Classification: Uncertain significance. Last evaluated: 2025-04-09. Review status: criteria provided, single submitter. Criteria: GeneDx Variant Classification Process June 2021. Collection method: clinical testing. Allele origin: germline.
Comment: Identified in a patient with aortic aneurysm and tricuspid aortic valve (PMID: 37239988); this patient also harbored a variant in the MIB1 gene; Not observed at significant frequency in large population cohorts (gnomAD); In silico analysis supports that this missense variant has a deleterious effect on protein structure/function; This variant is associated with the following publications: (PMID: 37239988)

Labcorp Genetics (formerly Invitae), Labcorp
Classification: Likely benign for Adams-Oliver syndrome 5. Last evaluated: 2024-10-23. Review status: criteria provided, single submitter. Criteria: Invitae Variant Classification Sherloc (09022015). Collection method: clinical testing. Allele origin: germline.